The following is an entry in ClinVar:

NM_058216.3(RAD51C):c.235T>G (p.Ser79Ala)

Gene: RAD51C (RAD51 paralog C; plus strand). Cytogenetic location: 17q22.
Variant type: single nucleotide variant.
Coding change: c.235T>G on transcript NM_058216.3 (MANE Select); coding-DNA position 235, T replaced by G.
Protein change: p.Ser79Ala; replaces serine 79 with alanine.
Molecular consequence: missense variant. On other transcripts: non-coding transcript variant (2).
Genome position (GRCh38, 1-based): chr17:58,695,020, T>G. VCF-style: chr17-58695020-T-G. GRCh37 (hg19) VCF-style: chr17-56772381-T-G.
Other names: c.235T>G, p.Ser79Ala (NM_002876.4, NM_058217.1); short protein forms S79A.
Identifiers: ClinVar variation 2835358 (VCV002835358.3), dbSNP rs1567786001, ClinGen allele CA400340260.
Genomic context (GRCh38, chr17:58,695,020, plus strand): 5'-GAAACTCTGCAAATTATCAGAAGAGAATGTCTCACAAATAAACCAAGATATGCTGGTACA[T>G]CTGAGTCACACAAGAAGTGTACAGCACTGGAACTTCTTGAGCAGGAGCATACCCAGGGCT-3'
Protein context (NP_478123.1, residues 69-89): LTNKPRYAGT[Ser79Ala]ESHKKCTALE

ClinVar aggregate classification (germline): Uncertain significance (1 of 4 stars; one submission).

Conditions:
Fanconi anemia complementation group O. Also called: RAD51C-Related Fanconi Anemia. Identifiers: Orphanet 84, MedGen C3150653, MONDO:0013248, OMIM 613390.

Submission:

Labcorp Genetics (formerly Invitae), Labcorp
Classification: Uncertain significance for Fanconi anemia complementation group O. Last evaluated: 2023-02-08. Review status: criteria provided, single submitter. Criteria: Invitae Variant Classification Sherloc (09022015). Collection method: clinical testing. Allele origin: germline.
Comment: In summary, the available evidence is currently insufficient to determine the role of this variant in disease. Therefore, it has been classified as a Variant of Uncertain Significance. Algorithms developed to predict the effect of missense changes on protein structure and function output the following: SIFT: "Tolerated"; PolyPhen-2: "Benign"; Align-GVGD: "Class C0". The alanine amino acid residue is found in multiple mammalian species, which suggests that this missense change does not adversely affect protein function. This variant has not been reported in the literature in individuals affected with RAD51C-related conditions. This variant is not present in population databases (gnomAD no frequency). This sequence change replaces serine, which is neutral and polar, with alanine, which is neutral and non-polar, at codon 79 of the RAD51C protein (p.Ser79Ala).